The following is an entry in ClinVar:

NM_024306.5(FA2H):c.139G>A (p.Glu47Lys)

Genes: FA2H (fatty acid 2-hydroxylase; minus strand), LOC130059394 (ATAC-STARR-seq lymphoblastoid silent region 7701; plus strand). Cytogenetic location: 16q23.1.
Variant type: single nucleotide variant.
Coding change: c.139G>A on transcript NM_024306.5 (MANE Select); coding-DNA position 139, G replaced by A.
Protein change: p.Glu47Lys; replaces glutamic acid 47 with lysine.
Molecular consequence: missense variant.
Genome position (GRCh38, 1-based): chr16:74,774,617, C>T on the plus strand (G>A on the coding strand, the complement: FA2H is on the minus strand). VCF-style: chr16-74774617-C-T. GRCh37 (hg19) VCF-style: chr16-74808515-C-T.
Other names: short protein forms E47K.
Identifiers: ClinVar variation 372860 (VCV000372860.11), dbSNP rs1057518032, ClinGen allele CA16043088.
Genomic context (GRCh38, chr16:74,774,617, plus strand): 5'-GCGGCGGCCCGTCCAGGTCGGCGCTGATGTCCTGGCCCGCCCTGGCCCGCAGCAGCTGCT[C>T]GCCCCCCGGGTGGTGCCGCACGAAGCTGGAGAGGTCGTAGAGGCGGGCCCCGCGGCGGAC-3'
Protein context (NP_077282.3, residues 37-57): SSFVRHHPGG[Glu47Lys]QLLRARAGQD

ClinVar aggregate classification (germline): Conflicting classifications of pathogenicity. Review status: criteria provided, conflicting classifications (1 of 4 stars). 4 submissions from 4 submitters: Likely pathogenic (1); Uncertain significance (3). Last evaluated 2025-07-08.

Conditions:
Spastic paraplegia. Identifiers: MedGen C0037772, HP:0001258.
Hereditary spastic paraplegia 35. Also called: SPASTIC PARAPLEGIA 35, AUTOSOMAL RECESSIVE, WITH OR WITHOUT NEURODEGENERATION; LEUKODYSTROPHY, DYSMYELINATING, AND SPASTIC PARAPARESIS WITH OR WITHOUT DYSTONIA; Spastic paraplegia 35, autosomal recessive; Spastic paraplegia 35. Identifiers: Orphanet 171629, MedGen C3496228, MONDO:0012866, OMIM 612319.

gnomAD v4.1: 11 of 1,518,762 alleles (0.00072%); highest among the groups gnomAD compares: Non-Finnish European, 0.00096%; no homozygotes.

Submissions (4):

Women's Health and Genetics/Laboratory Corporation of America, LabCorp
Classification: Uncertain significance. Last evaluated: 2025-07-08. Review status: criteria provided, single submitter. Criteria: LabCorp Variant Classification Summary - May 2015. Collection method: clinical testing. Allele origin: germline.
Comment: Variant summary: FA2H c.139G>A (p.Glu47Lys) results in a conservative amino acid change in the encoded protein sequence. Algorithms developed to predict the effect of missense changes on protein structure and function are either unavailable or do not agree on the potential impact of this missense change. The frequency data for this variant in gnomAD is considered unreliable, as metrics indicate poor data quality at this position. c.139G>A has been observed in an individual affected with Cerebral palsy (Moreno-De-Luca_2021). These data do not allow any conclusion about variant significance. To our knowledge, no experimental evidence demonstrating an impact on protein function has been reported. The following publication has been ascertained in the context of this evaluation (PMID: 33528536). ClinVar contains an entry for this variant (Variation ID: 372860). Based on the evidence outlined above, the variant was classified as uncertain significance.

Labcorp Genetics (formerly Invitae), Labcorp
Classification: Uncertain significance for Spastic paraplegia. Last evaluated: 2021-07-26. Review status: criteria provided, single submitter. Criteria: Invitae Variant Classification Sherloc (09022015). Collection method: clinical testing. Allele origin: germline.
Comment: This variant has not been reported in the literature in individuals with FA2H-related conditions. ClinVar contains an entry for this variant (Variation ID: 372860). Algorithms developed to predict the effect of missense changes on protein structure and function (SIFT, PolyPhen-2, Align-GVGD) all suggest that this variant is likely to be tolerated, but these predictions have not been confirmed by published functional studies and their clinical significance is uncertain. In summary, the available evidence is currently insufficient to determine the role of this variant in disease. Therefore, it has been classified as a Variant of Uncertain Significance. This sequence change replaces glutamic acid with lysine at codon 47 of the FA2H protein (p.Glu47Lys). The glutamic acid residue is moderately conserved and there is a small physicochemical difference between glutamic acid and lysine. The frequency data for this variant in the population databases is considered unreliable, as metrics indicate insufficient coverage at this position in the ExAC database.

Baylor Genetics
Classification: Uncertain significance for Hereditary spastic paraplegia 35. Last evaluated: 2018-07-31. Review status: criteria provided, single submitter. Criteria: ACMG Guidelines, 2015. Collection method: clinical testing. Allele origin: paternal. Affected: yes.
Comment: This variant was determined to be of uncertain significance according to ACMG Guidelines, 2015 [PMID:25741868].

GeneDx
Classification: Likely pathogenic. Last evaluated: 2015-12-30. Review status: criteria provided, single submitter. Criteria: GeneDx Variant Classification (06012015). Collection method: clinical testing. Allele origin: germline. Affected: yes.
Comment: The E47K variant in the FA2H gene has not been reported previously as a pathogenic variant, nor as a benign variant, to our knowledge. The E47K variant was not observed in approximately 4000 individuals of European and African American ancestry in the NHLBI Exome Sequencing Project, indicating it is not a common benign variant in these populations. The E47K variant is a non-conservative amino acid substitution, which is likely to impact secondary protein structure as these residues differ in polarity, charge, size and/or other properties. This substitution occurs at a position that is conserved across species. In silico analysis is inconsistent in its predictions as to whether or not the variant is damaging to the protein structure/function. The E47K variant is a strong candidate for a pathogenic variant, however the possibility it may be a rare benign variant cannot be excluded.

Literature cited by the submitters: PubMed 33528536 (cited by Women's Health and Genetics/Laboratory Corporation of America, LabCorp).